The following is an entry in ClinVar:

NM_022489.4(INF2):c.81G>C (p.Glu27Asp)

Gene: INF2 (inverted formin 2; plus strand). Cytogenetic location: 14q32.33.
Variant type: single nucleotide variant.
Coding change: c.81G>C on transcript NM_022489.4 (MANE Select); coding-DNA position 81, G replaced by C.
Protein change: p.Glu27Asp; replaces glutamic acid 27 with aspartic acid.
Molecular consequence: missense variant. On other transcripts: non-coding transcript variant (1).
Genome position (GRCh38, 1-based): chr14:104,701,446, G>C. VCF-style: chr14-104701446-G-C. GRCh37 (hg19) VCF-style: chr14-105167783-G-C.
Other names: c.81G>C, p.Glu27Asp (NM_001031714.4, NM_001426862.1, NM_001426863.1 and 6 more transcripts); short protein forms E27D.
Identifiers: ClinVar variation 3751736 (VCV003751736.2).

ClinVar aggregate classification (germline): Uncertain significance (1 of 4 stars; one submission).

Conditions:
Focal segmental glomerulosclerosis 5 (FSGS5). Identifiers: Orphanet 656, MedGen C2750475, MONDO:0013191, OMIM 613237.
Charcot-Marie-Tooth disease dominant intermediate E. Also called: CHARCOT-MARIE-TOOTH NEUROPATHY WITH FOCAL SEGMENTAL GLOMERULONEPHRITIS. Identifiers: Orphanet 93114, MedGen C4302667, MONDO:0013758, OMIM 614455.

gnomAD v4.1: 2 of 1,597,500 alleles (0.00013%); highest among the groups gnomAD compares: African/African-American, 0.0027%; no homozygotes.

Submission:

Labcorp Genetics (formerly Invitae), Labcorp
Classification: Uncertain significance for Charcot-Marie-Tooth disease dominant intermediate E; Focal segmental glomerulosclerosis 5. Last evaluated: 2024-02-14. Review status: criteria provided, single submitter. Criteria: Invitae Variant Classification Sherloc (09022015). Collection method: clinical testing. Allele origin: germline.
Comment: This sequence change replaces glutamic acid, which is acidic and polar, with aspartic acid, which is acidic and polar, at codon 27 of the INF2 protein (p.Glu27Asp). This variant is not present in population databases (gnomAD no frequency). This variant has not been reported in the literature in individuals affected with INF2-related conditions. Advanced modeling of protein sequence and biophysical properties (such as structural, functional, and spatial information, amino acid conservation, physicochemical variation, residue mobility, and thermodynamic stability) performed at Invitae indicates that this missense variant is not expected to disrupt INF2 protein function with a negative predictive value of 95%. In summary, the available evidence is currently insufficient to determine the role of this variant in disease. Therefore, it has been classified as a Variant of Uncertain Significance.